The following is an entry in ClinVar:

NM_152594.3(SPRED1):c.1017G>T (p.Gln339His)

Gene: SPRED1 (sprouty related EVH1 domain containing 1; plus strand). Cytogenetic location: 15q14.
Variant type: single nucleotide variant.
Coding change: c.1017G>T on transcript NM_152594.3 (MANE Select); coding-DNA position 1017, G replaced by T.
Protein change: p.Gln339His; replaces glutamine 339 with histidine.
Molecular consequence: missense variant.
Genome position (GRCh38, 1-based): chr15:38,351,346, G>T. VCF-style: chr15-38351346-G-T. GRCh37 (hg19) VCF-style: chr15-38643547-G-T.
Other names: short protein forms Q339H.
Identifiers: ClinVar variation 3322359 (VCV003322359.1).

ClinVar aggregate classification (germline): Uncertain significance (1 of 4 stars; one submission).

Conditions:
Cardiovascular phenotype. Identifiers: MedGen CN230736.

Submission:

Ambry Genetics
Classification: Uncertain significance for Cardiovascular phenotype. Last evaluated: 2024-06-23. Review status: criteria provided, single submitter. Criteria: Ambry Variant Classification Scheme 2023. Collection method: clinical testing. Allele origin: germline.
Comment: The p.Q339H variant (also known as c.1017G>T), located in coding exon 7 of the SPRED1 gene, results from a G to T substitution at nucleotide position 1017. The glutamine at codon 339 is replaced by histidine, an amino acid with highly similar properties. This amino acid position is conserved. In addition, this alteration is predicted to be tolerated by in silico analysis. Based on the available evidence, the clinical significance of this variant remains unclear.